The following is an entry in ClinVar:

ClinVar aggregate classification (germline): Benign/Likely benign. Review status: criteria provided, multiple submitters, no conflicts (2 of 4 stars). 4 submissions from 4 submitters: Benign (2); Likely benign (1). 1 of the submissions does not count toward it. Last evaluated 2025-06-17.

Conditions:
ADNP-related disorder. Also called: ADNP-related condition.
ADNP-related multiple congenital anomalies - intellectual disability - autism spectrum disorder. Also called: ADNP-Related Helsmoortel-Van der Aa Syndrome; Helsmoortel-Van der Aa Syndrome. Identifiers: Orphanet 404448, MedGen C4014538, MONDO:0014379, OMIM 615873. Disease mechanism: loss of function.

Allele frequency attached by ClinVar (database versions not stated): gnomAD exomes 0.00005 and 0.00016; ExAC 0.00016; ESP Exome Variant Server 0.00046; gnomAD 0.00057 and 0.00059; TOPMed 0.00059; 1000 Genomes Project 30x 0.00062; 1000 Genomes Project 0.00080.
gnomAD v4.1: 153 of 1,614,214 alleles (0.0095%); highest among the groups gnomAD compares: African/African-American, 0.19%; no homozygotes.

Submissions (4):

Labcorp Genetics (formerly Invitae), Labcorp
Classification: Likely benign. Last evaluated: 2025-06-17. Review status: criteria provided, single submitter. Criteria: Invitae Variant Classification Sherloc (09022015). Collection method: clinical testing. Allele origin: germline.

Genome-Nilou Lab
Classification: Benign for ADNP-related multiple congenital anomalies - intellectual disability - autism spectrum disorder. Last evaluated: 2021-12-05. Review status: criteria provided, single submitter. Criteria: ACMG Guidelines, 2015. Collection method: clinical testing. Allele origin: germline. Affected: no.

GeneDx
Classification: Benign. Last evaluated: 2020-04-13. Review status: criteria provided, single submitter. Criteria: GeneDx Variant Classification Process June 2021. Collection method: clinical testing. Allele origin: germline. Affected: yes.

PreventionGenetics, part of Exact Sciences
Classification: Likely benign for ADNP-related condition. Last evaluated: 2024-07-26. Review status: no assertion criteria provided. Collection method: clinical testing. Allele origin: germline. Not counted in ClinVar's aggregate classification.
Comment: This variant is classified as likely benign based on ACMG/AMP sequence variant interpretation guidelines (Richards et al. 2015 PMID: 25741868, with internal and published modifications).

NM_001282531.3(ADNP):c.2317A>G (p.Lys773Glu)

Gene: ADNP (activity dependent neuroprotector homeobox; minus strand). Cytogenetic location: 20q13.13.
Variant type: single nucleotide variant.
Coding change: c.2317A>G on transcript NM_001282531.3 (MANE Select); coding-DNA position 2317, A replaced by G.
Protein change: p.Lys773Glu; replaces lysine 773 with glutamic acid.
Molecular consequence: missense variant.
Genome position (GRCh38, 1-based): chr20:50,892,397, T>C on the plus strand (A>G on the coding strand, the complement: ADNP is on the minus strand). VCF-style: chr20-50892397-T-C. GRCh37 (hg19) VCF-style: chr20-49508934-T-C.
Other names: c.2317A>G, p.Lys773Glu (NM_001282532.2, NM_001347511.2, NM_015339.5 and 1 more transcripts); c.2317A>G (NM_001282531.2); short protein forms K773E.
Identifiers: ClinVar variation 777582 (VCV000777582.11), dbSNP rs140169338, ClinGen allele CA9908602.